The following is an entry in ClinVar:

ClinVar aggregate classification (germline): Uncertain significance (1 of 4 stars; one submission).

Allele frequency attached by ClinVar (database versions not stated): TOPMed below 0.00001; gnomAD 0.00001.

Submission:

Labcorp Genetics (formerly Invitae), Labcorp
Classification: Uncertain significance. Last evaluated: 2018-02-15. Review status: criteria provided, single submitter. Criteria: Invitae Variant Classification Sherloc (09022015). Collection method: clinical testing. Allele origin: germline.
Comment: This sequence change creates a premature translational stop signal (p.Pro370Alafs*13) in the KPNA7 gene. It is expected to result in an absent or disrupted protein product. This variant is not present in population databases (ExAC no frequency). This variant has not been reported in the literature in individuals with KPNA7-related disease. The current clinical and genetic evidence is not sufficient to establish whether loss-of-function variants in KPNA7 cause disease. In summary, the available evidence is currently insufficient to determine the role of this variant in disease. Therefore, it has been classified as a Variant of Uncertain Significance.

NM_001145715.3(KPNA7):c.1103dup (p.Pro370fs)

Gene: KPNA7 (karyopherin subunit alpha 7; minus strand). Cytogenetic location: 7q22.1.
Variant type: Duplication.
Coding change: c.1103dup on transcript NM_001145715.3 (MANE Select); coding-DNA position 1103, one base duplicated (T; older notation c.1103dupT).
Protein change: p.Pro370fs; shifts the reading frame from proline 370.
Molecular consequence: frameshift variant.
Genome position (GRCh38, 1-based): chr7:99,184,960, A duplicated on the plus strand (T on the coding strand, the reverse complement: KPNA7 is on the minus strand). VCF-style (leftmost placement, unchanged base first): chr7-99184959-G-GA. GRCh37 (hg19) VCF-style: chr7-98782582-G-GA.
Other names: short protein forms P370fs.
Identifiers: ClinVar variation 1005864 (VCV001005864.4), dbSNP rs1290921914, ClinGen allele CA576719854.